The following is an entry in ClinVar:

ClinVar aggregate classification (germline): Likely benign. Review status: criteria provided, multiple submitters, no conflicts (2 of 4 stars). 2 submissions from 2 submitters: Likely benign (2). Last evaluated 2025-08-14.

gnomAD v4.1: 8 of 1,574,650 alleles (0.00051%); highest among the groups gnomAD compares: Admixed American, 0.0072%; no homozygotes.

Submissions (2):

Mayo Clinic Laboratories, Mayo Clinic
Classification: Likely benign. Last evaluated: 2025-08-14. Review status: criteria provided, single submitter. Criteria: ACMG Guidelines, 2015. Collection method: clinical testing. Allele origin: germline. Observed: 1 variant allele.
Comment: BP4, BP7

Labcorp Genetics (formerly Invitae), Labcorp
Classification: Likely benign. Last evaluated: 2023-12-11. Review status: criteria provided, single submitter. Criteria: Invitae Variant Classification Sherloc (09022015). Collection method: clinical testing. Allele origin: germline.

NM_001953.5(TYMP):c.924G>T (p.Thr308=)

Genes: TYMP (thymidine phosphorylase; minus strand), LOC130067862 (ATAC-STARR-seq lymphoblastoid silent region 13986; plus strand). Cytogenetic location: 22q13.33.
Variant type: single nucleotide variant.
Coding change: c.924G>T on transcript NM_001953.5 (MANE Select); coding-DNA position 924, G replaced by T.
Protein change: p.Thr308=; no amino-acid change (threonine 308 retained).
Molecular consequence: synonymous variant.
Genome position (GRCh38, 1-based): chr22:50,526,580, C>A on the plus strand (G>T on the coding strand, the complement: TYMP is on the minus strand). VCF-style: chr22-50526580-C-A. GRCh37 (hg19) VCF-style: chr22-50965009-C-A.
Other names: p.Thr308=; c.924G>T, p.Thr308= (NM_001113755.3, NM_001113756.3, NM_001257988.1 and 1 more transcripts).
Identifiers: ClinVar variation 1923658 (VCV001923658.6), dbSNP rs1470959449, ClinGen allele CA515387687.